The following is an entry in ClinVar:

NM_018127.7(ELAC2):c.895C>A (p.Pro299Thr)

Gene: ELAC2 (elaC ribonuclease Z 2; minus strand). Cytogenetic location: 17p12.
Variant type: single nucleotide variant.
Coding change: c.895C>A on transcript NM_018127.7 (MANE Select); coding-DNA position 895, C replaced by A.
Protein change: p.Pro299Thr; replaces proline 299 with threonine.
Molecular consequence: missense variant.
Genome position (GRCh38, 1-based): chr17:13,005,077, G>T on the plus strand (C>A on the coding strand, the complement: ELAC2 is on the minus strand). VCF-style: chr17-13005077-G-T. GRCh37 (hg19) VCF-style: chr17-12908394-G-T.
Other names: c.775C>A, p.Pro259Thr (NM_001165962.2); c.895C>A, p.Pro299Thr (NM_173717.2); c.895C>A (NM_018127.6); short protein forms P259T, P299T.
Identifiers: ClinVar variation 1464140 (VCV001464140.7), dbSNP rs771897223, ClinGen allele CA8401437.

ClinVar aggregate classification (germline): Uncertain significance. Review status: criteria provided, multiple submitters, no conflicts (2 of 4 stars). 3 submissions from 3 submitters: Uncertain significance (3). Last evaluated 2024-10-02.

Conditions:
Inborn genetic diseases. Identifiers: MedGen C0950123, MeSH D030342.
Combined oxidative phosphorylation defect type 17. Also called: Combined oxidative phosphorylation deficiency 17. Identifiers: Orphanet 369913, MedGen C3809526, MONDO:0014190, OMIM 615440.

Allele frequency attached by ClinVar (database versions not stated): ExAC 0.00001; gnomAD 0.00001; gnomAD exomes 0.00001 and 0.00002; TOPMed 0.00001.
gnomAD v4.1: 28 of 1,614,054 alleles (0.0017%); highest among the groups gnomAD compares: Non-Finnish European, 0.0023%; no homozygotes.

Submissions (3):

GeneDx
Classification: Uncertain significance. Last evaluated: 2024-10-02. Review status: criteria provided, single submitter. Criteria: GeneDx Variant Classification Process June 2021. Collection method: clinical testing. Allele origin: germline. Affected: yes.
Comment: Not observed at significant frequency in large population cohorts (gnomAD); In silico analysis supports that this missense variant has a deleterious effect on protein structure/function; Has not been previously published as pathogenic or benign to our knowledge

Ambry Genetics
Classification: Uncertain significance for Inborn genetic diseases. Last evaluated: 2024-01-17. Review status: criteria provided, single submitter. Criteria: Ambry Variant Classification Scheme 2023. Collection method: clinical testing. Allele origin: germline.

Labcorp Genetics (formerly Invitae), Labcorp
Classification: Uncertain significance for Combined oxidative phosphorylation defect type 17. Last evaluated: 2021-09-24. Review status: criteria provided, single submitter. Criteria: Invitae Variant Classification Sherloc (09022015). Collection method: clinical testing. Allele origin: germline.
Comment: This sequence change replaces proline with threonine at codon 299 of the ELAC2 protein (p.Pro299Thr). The proline residue is moderately conserved and there is a small physicochemical difference between proline and threonine. This variant is present in population databases (rs771897223, ExAC 0.006%). This variant has not been reported in the literature in individuals with ELAC2-related conditions. Algorithms developed to predict the effect of missense changes on protein structure and function are either unavailable or do not agree on the potential impact of this missense change (SIFT: "Tolerated"; PolyPhen-2: "Possibly Damaging"; Align-GVGD: "Class C0"). In summary, the available evidence is currently insufficient to determine the role of this variant in disease. Therefore, it has been classified as a Variant of Uncertain Significance.